The following is an entry in ClinVar:

NM_002241.5(KCNJ10):c.39T>C (p.Thr13=)

Gene: KCNJ10 (potassium inwardly rectifying channel subfamily J member 10; minus strand). Cytogenetic location: 1q23.2.
Variant type: single nucleotide variant.
Coding change: c.39T>C on transcript NM_002241.5 (MANE Select); coding-DNA position 39, T replaced by C.
Protein change: p.Thr13=; no amino-acid change (threonine 13 retained).
Molecular consequence: synonymous variant.
Genome position (GRCh38, 1-based): chr1:160,042,494, A>G on the plus strand (T>C on the coding strand, the complement: KCNJ10 is on the minus strand). VCF-style: chr1-160042494-A-G. GRCh37 (hg19) VCF-style: chr1-160012284-A-G.
Identifiers: ClinVar variation 385589 (VCV000385589.1), dbSNP rs776805483, ClinGen allele CA16603480.

ClinVar aggregate classification (germline): Likely benign (1 of 4 stars; one submission).

gnomAD v4.1: 1 of 1,614,162 alleles (0.000062%); highest among the groups gnomAD compares: Non-Finnish European, 0.000085%; no homozygotes.

Submission:

GeneDx
Classification: Likely benign. Last evaluated: 2016-05-02. Review status: criteria provided, single submitter. Criteria: GeneDx Variant Classification (06012015). Collection method: clinical testing. Allele origin: germline. Affected: yes.
Comment: This variant is considered likely benign or benign based on one or more of the following criteria: it is a conservative change, it occurs at a poorly conserved position in the protein, it is predicted to be benign by multiple in silico algorithms, and/or has population frequency not consistent with disease.